The following is an entry in ClinVar:

NM_001395413.1(POR):c.2002A>G (p.Lys668Glu)

Gene: POR (cytochrome p450 oxidoreductase; plus strand). Cytogenetic location: 7q11.23.
Variant type: single nucleotide variant.
Coding change: c.2002A>G on transcript NM_001395413.1 (MANE Select); coding-DNA position 2002, A replaced by G.
Protein change: p.Lys668Glu; replaces lysine 668 with glutamic acid.
Molecular consequence: missense variant.
Genome position (GRCh38, 1-based): chr7:75,986,449, A>G. VCF-style: chr7-75986449-A-G. GRCh37 (hg19) VCF-style: chr7-75615767-A-G.
Other names: c.2011A>G, p.Lys671Glu (NM_000941.2, NM_000941.3); c.2002A>G, p.Lys668Glu (NM_001367562.3, NM_001382657.2, NM_001382658.3 and 1 more transcripts); c.2056A>G, p.Lys686Glu (NM_001382655.3); c.1852A>G, p.Lys618Glu (NM_001382662.3); short protein forms K618E, K668E, K686E, K671E.
Identifiers: ClinVar variation 2086613 (VCV002086613.4), dbSNP rs2535417740, ClinGen allele CA367751177.

ClinVar aggregate classification (germline): Uncertain significance (1 of 4 stars; one submission).

Conditions:
Congenital adrenal hyperplasia due to cytochrome P450 oxidoreductase deficiency. Also called: DISORDERED STEROIDOGENESIS DUE TO POR DEFICIENCY. Identifiers: Orphanet 95699, MedGen C1860042, MONDO:0013310, OMIM 613571.

Submission:

Labcorp Genetics (formerly Invitae), Labcorp
Classification: Uncertain significance for Congenital adrenal hyperplasia due to cytochrome P450 oxidoreductase deficiency. Last evaluated: 2022-07-19. Review status: criteria provided, single submitter. Criteria: Invitae Variant Classification Sherloc (09022015). Collection method: clinical testing. Allele origin: germline.
Comment: In summary, the available evidence is currently insufficient to determine the role of this variant in disease. Therefore, it has been classified as a Variant of Uncertain Significance. Algorithms developed to predict the effect of missense changes on protein structure and function are either unavailable or do not agree on the potential impact of this missense change (SIFT: "Deleterious"; PolyPhen-2: "Benign"; Align-GVGD: "Class C0"). This variant has not been reported in the literature in individuals affected with POR-related conditions. This variant is not present in population databases (gnomAD no frequency). This sequence change replaces lysine, which is basic and polar, with glutamic acid, which is acidic and polar, at codon 671 of the POR protein (p.Lys671Glu).